The following is an entry in ClinVar:

NC_000002.11:g.(?_178095513)_(179914668_?)del

Genes: AGPS (alkylglycerone phosphate synthase; plus strand), CCDC141 (coiled-coil domain containing 141; minus strand), FKBP7 (FKBP prolyl isomerase 7; minus strand), IFT70A (intraflagellar transport 70A; minus strand), IFT70B (intraflagellar transport 70B; minus strand) and 8 more. Cytogenetic location: 2q31.2.
Variant type: Deletion.
Identifiers: ClinVar variation 2424718 (VCV002424718.3).

ClinVar aggregate classification (germline): no classifications from unflagged records (0 of 4 stars; one submission).

Submission:

Labcorp Genetics (formerly Invitae), Labcorp
Classification: Uncertain significance. Last evaluated: 2022-07-01. Review status: flagged submission. Criteria: Invitae Variant Classification Sherloc (09022015). Collection method: clinical testing. Allele origin: germline.
Comment: A gross deletion of the genomic region encompassing the full coding sequence of the AGPS gene has been identified. The current clinical and genetic evidence is not sufficient to establish whether loss-of-function variants in AGPS cause disease. The boundaries of this event are unknown as they extend beyond the assayed region for this gene and therefore may encompass additional genes. This variant has not been reported in the literature in individuals affected with AGPS-related conditions. In summary, the available evidence is currently insufficient to determine the role of this variant in disease. Therefore, it has been classified as a Variant of Uncertain Significance.
ClinVar note: Notes: This submission was flagged because its interpretation of this variant conflicts with the ClinGen Gene Dosage Map curation for the gene TTN.
ClinVar note: Reason: Conflict with ClinGen Gene Dosage Map